The following is an entry in ClinVar:

NM_003126.4(SPTA1):c.5378G>A (p.Arg1793Gln)

Gene: SPTA1 (spectrin alpha, erythrocytic 1; minus strand). Cytogenetic location: 1q23.1.
Variant type: single nucleotide variant.
Coding change: c.5378G>A on transcript NM_003126.4 (MANE Select); coding-DNA position 5378, G replaced by A.
Protein change: p.Arg1793Gln; replaces arginine 1793 with glutamine.
Molecular consequence: missense variant.
Genome position (GRCh38, 1-based): chr1:158,635,967, C>T on the plus strand (G>A on the coding strand, the complement: SPTA1 is on the minus strand). VCF-style: chr1-158635967-C-T. GRCh37 (hg19) VCF-style: chr1-158605757-C-T.
Other names: short protein forms R1793Q.
Identifiers: ClinVar variation 292973 (VCV000292973.49), dbSNP rs200938874, ClinGen allele CA1182321.

ClinVar aggregate classification (germline): Conflicting classifications of pathogenicity. Review status: criteria provided, conflicting classifications (1 of 4 stars). 8 submissions from 6 submitters: Uncertain significance (3); Benign (1); Likely benign (4). Last evaluated 2026-04-01.

Conditions:
Hereditary spherocytosis type 3. Also called: SPTA1-Related Spherocytosis; Spherocytosis type 3. Identifiers: Orphanet 822, MedGen C2678338, MONDO:0010053, OMIM 270970.
Elliptocytosis 2 (EL2). Also called: ELLIPTOCYTOSIS, RHESUS-UNLINKED TYPE. Identifiers: Orphanet 288, MedGen C1851741, MONDO:0007533, OMIM 130600.
Pyropoikilocytosis, hereditary. Also called: Pyropoikilocytosis. Identifiers: MedGen C0520739, MONDO:0009948, OMIM 266140, HP:0004839. Disease mechanism: loss of function.

Allele frequency attached by ClinVar (database versions not stated): 1000 Genomes Project 30x 0.00031; 1000 Genomes Project 0.00040; gnomAD 0.00127 and 0.00136; TOPMed 0.00130; ExAC 0.00134; ESP Exome Variant Server 0.00155; gnomAD exomes 0.00155 and 0.00178.
gnomAD v4.1: 2,830 of 1,614,130 alleles (0.18%); highest among the groups gnomAD compares: Non-Finnish European, 0.18%; 7 homozygotes.

Submissions (8):

CeGaT Center for Human Genetics Tuebingen
Classification: Likely benign. Last evaluated: 2026-04-01. Review status: criteria provided, single submitter. Criteria: CeGaT Center For Human Genetics Tuebingen Variant Classification Criteria Version 2. Collection method: clinical testing. Allele origin: germline. Affected: yes. Observed: 6 variant alleles.
Comment: SPTA1: BP4

Labcorp Genetics (formerly Invitae), Labcorp
Classification: Benign. Last evaluated: 2026-01-15. Review status: criteria provided, single submitter. Criteria: Invitae Variant Classification Sherloc (09022015). Collection method: clinical testing. Allele origin: germline.

ARUP Laboratories, Molecular Genetics and Genomics, ARUP Laboratories
Classification: Likely benign. Last evaluated: 2025-05-02. Review status: criteria provided, single submitter. Criteria: ARUP Molecular Germline Variant Investigation Process 2024. Collection method: clinical testing. Allele origin: germline.

Blueprint Genetics
Classification: Likely benign. Last evaluated: 2024-11-26. Review status: criteria provided, single submitter. Criteria: ACMG Guidelines, 2015. Collection method: clinical testing. Allele origin: germline.

GeneDx
Classification: Uncertain significance. Last evaluated: 2024-09-20. Review status: criteria provided, single submitter. Criteria: GeneDx Variant Classification Process June 2021. Collection method: clinical testing. Allele origin: germline. Affected: yes.
Comment: In silico analysis supports that this missense variant has a deleterious effect on protein structure/function; Has not been previously published as pathogenic or benign to our knowledge

Illumina Laboratory Services, Illumina
Classification: Uncertain significance for Pyropoikilocytosis, hereditary. Last evaluated: 2018-01-13. Review status: criteria provided, single submitter. Criteria: ICSL Variant Classification Criteria 13 December 2019. Collection method: clinical testing. Allele origin: germline.

Illumina Laboratory Services, Illumina
Classification: Uncertain significance for Hereditary spherocytosis type 3. Last evaluated: 2018-01-13. Review status: criteria provided, single submitter. Criteria: ICSL Variant Classification Criteria 13 December 2019. Collection method: clinical testing. Allele origin: germline.

Illumina Laboratory Services, Illumina
Classification: Likely benign for Elliptocytosis 2. Last evaluated: 2018-01-13. Review status: criteria provided, single submitter. Criteria: ICSL Variant Classification Criteria 13 December 2019. Collection method: clinical testing. Allele origin: germline.
Comment: This variant was observed in the ICSL laboratory as part of a predisposition screen in an ostensibly healthy population. It had not been previously curated by ICSL or reported in the Human Gene Mutation Database (HGMD: prior to June 1st, 2018), and was therefore a candidate for classification through an automated scoring system. Utilizing variant allele frequency, disease prevalence and penetrance estimates, and inheritance mode, an automated score was calculated to assess if this variant is too frequent to cause the disease. Based on the score and internal cut-off values, a variant classified as likely benign is not then subjected to further curation. The score for this variant resulted in a classification of likely benign for this disease.